The following is an entry in ClinVar:

NM_001943.5(DSG2):c.3166A>G (p.Thr1056Ala)

Genes: DSG2 (desmoglein 2; plus strand), DSG2-AS1 (DSG2 antisense RNA 1; minus strand). Cytogenetic location: 18q12.1.
Variant type: single nucleotide variant.
Coding change: c.3166A>G on transcript NM_001943.5 (MANE Select); coding-DNA position 3166, A replaced by G.
Protein change: p.Thr1056Ala; replaces threonine 1056 with alanine.
Molecular consequence: missense variant.
Genome position (GRCh38, 1-based): chr18:31,546,552, A>G. VCF-style: chr18-31546552-A-G. GRCh37 (hg19) VCF-style: chr18-29126515-A-G.
Other names: short protein forms T1056A.
Identifiers: ClinVar variation 3609095 (VCV003609095.2).

ClinVar aggregate classification (germline): Uncertain significance (1 of 4 stars; one submission).

Conditions:
Arrhythmogenic right ventricular dysplasia 10. Also called: Arrhythmogenic right ventricular dysplasia/cardiomyopathy, type 10; Arrhythmogenic Right Ventricular Dysplasia/Cardiomyopathy10; ARRHYTHMOGENIC RIGHT VENTRICULAR DYSPLASIA, FAMILIAL, 10. Identifiers: MedGen C1857777, MONDO:0012434, OMIM 610193.

gnomAD v4.1: 4 of 1,614,130 alleles (0.00025%); highest among the groups gnomAD compares: Non-Finnish European, 0.00025%; no homozygotes.

Submission:

Labcorp Genetics (formerly Invitae), Labcorp
Classification: Uncertain significance for Arrhythmogenic right ventricular dysplasia 10. Last evaluated: 2024-08-11. Review status: criteria provided, single submitter. Criteria: Invitae Variant Classification Sherloc (09022015). Collection method: clinical testing. Allele origin: germline.
Comment: This sequence change replaces threonine, which is neutral and polar, with alanine, which is neutral and non-polar, at codon 1056 of the DSG2 protein (p.Thr1056Ala). This variant is not present in population databases (gnomAD no frequency). This variant has not been reported in the literature in individuals affected with DSG2-related conditions. Advanced modeling of protein sequence and biophysical properties (such as structural, functional, and spatial information, amino acid conservation, physicochemical variation, residue mobility, and thermodynamic stability) performed at Invitae indicates that this missense variant is not expected to disrupt DSG2 protein function with a negative predictive value of 95%. In summary, the available evidence is currently insufficient to determine the role of this variant in disease. Therefore, it has been classified as a Variant of Uncertain Significance.